The following is an entry in ClinVar:

NM_022168.4(IFIH1):c.855_874+1dup

Gene: IFIH1 (interferon induced with helicase C domain 1; minus strand). Cytogenetic location: 2q24.2.
Variant type: Duplication.
Coding change: c.855_874+1dup on transcript NM_022168.4 (MANE Select); coding-DNA position 855 through the canonical splice donor site of the intron after coding-DNA position 874, 21 bases duplicated (CACCATGGGAAGTGATTCAGG).
Molecular consequence: splice donor variant.
Genome position (GRCh38, 1-based): chr2:162,293,563-162,293,583, CCTGAATCACTTCCCATGGTG duplicated on the plus strand (CACCATGGGAAGTGATTCAGG on the coding strand, the reverse complement: IFIH1 is on the minus strand); duplicating any 21 consecutive bases within chr2:162,293,563-162,293,594 gives the same sequence; the c. name uses the placement nearest the transcript's 3' end. VCF-style (leftmost placement, unchanged base first): chr2-162293562-A-ACCTGAATCACTTCCCATGGTG. GRCh37 (hg19) VCF-style: chr2-163150072-A-ACCTGAATCACTTCCCATGGTG.
Identifiers: ClinVar variation 2936259 (VCV002936259.3), dbSNP rs1195353990, ClinGen allele CA2661689516.

ClinVar aggregate classification (germline): Uncertain significance (1 of 4 stars; one submission).

Conditions:
Aicardi-Goutieres syndrome 7 (AGS7). Identifiers: Orphanet 51, MedGen C3888244, MONDO:0014367, OMIM 615846.
Singleton-Merten syndrome 1 (SGMRT1). Also called: Widened medullary cavities of bone, aortic calcification, abnormal dentition, and muscular weakness; Syndrome of widened medullary cavities of the metacarpals and phalanges, aortic calcification and abnormal dentition. Identifiers: Orphanet 85191, MedGen C4225427, MONDO:0024535, OMIM 182250.

Submission:

Labcorp Genetics (formerly Invitae), Labcorp
Classification: Uncertain significance for Aicardi-Goutieres syndrome 7; Singleton-Merten syndrome 1. Last evaluated: 2023-10-03. Review status: criteria provided, single submitter. Criteria: Invitae Variant Classification Sherloc (09022015). Collection method: clinical testing. Allele origin: germline.
Comment: This sequence change affects a splice site in intron 4 of the IFIH1 gene. It is expected to disrupt RNA splicing. Variants that disrupt the donor or acceptor splice site typically lead to a loss of protein function (PMID: 16199547), however the current clinical and genetic evidence is not sufficient to establish whether loss-of-function variants in IFIH1 cause disease. This variant is not present in population databases (gnomAD no frequency). This variant has not been reported in the literature in individuals affected with IFIH1-related conditions. In summary, the available evidence is currently insufficient to determine the role of this variant in disease. Therefore, it has been classified as a Variant of Uncertain Significance.

Literature cited by the submitters: PubMed 16199547.